The following is an entry in ClinVar:

NM_006329.4(FBLN5):c.61G>A (p.Gly21Arg)

Gene: FBLN5 (fibulin 5; minus strand). Cytogenetic location: 14q32.12.
Variant type: single nucleotide variant.
Coding change: c.61G>A on transcript NM_006329.4 (MANE Select); coding-DNA position 61, G replaced by A.
Protein change: p.Gly21Arg; replaces glycine 21 with arginine.
Molecular consequence: missense variant. On other transcripts: 5 prime UTR variant (2).
Genome position (GRCh38, 1-based): chr14:91,942,918, C>T on the plus strand (G>A on the coding strand, the complement: FBLN5 is on the minus strand). VCF-style: chr14-91942918-C-T. GRCh37 (hg19) VCF-style: chr14-92409262-C-T.
Other names: c.61G>A, p.Gly21Arg (NM_001384158.1, NM_001384160.1); c.112G>A, p.Gly38Arg (NM_001384159.1); c.-209G>A (NM_001384161.1, NM_001384162.1); short protein forms G38R, G21R.
Identifiers: ClinVar variation 2869793 (VCV002869793.3), dbSNP rs778999697, ClinGen allele CA7312977.

ClinVar aggregate classification (germline): Uncertain significance (1 of 4 stars; one submission).

Allele frequency attached by ClinVar (database versions not stated): gnomAD exomes below 0.00001; gnomAD 0.00001; TOPMed 0.00002.
gnomAD v4.1: 2 of 1,546,510 alleles (0.00013%); highest among the groups gnomAD compares: African/African-American, 0.0027%; no homozygotes.

Submission:

Labcorp Genetics (formerly Invitae), Labcorp
Classification: Uncertain significance. Last evaluated: 2022-11-12. Review status: criteria provided, single submitter. Criteria: Invitae Variant Classification Sherloc (09022015). Collection method: clinical testing. Allele origin: germline.
Comment: In summary, the available evidence is currently insufficient to determine the role of this variant in disease. Therefore, it has been classified as a Variant of Uncertain Significance. Algorithms developed to predict the effect of missense changes on protein structure and function are either unavailable or do not agree on the potential impact of this missense change (SIFT: "Deleterious"; PolyPhen-2: "Possibly Damaging"; Align-GVGD: "Class C0"). This variant has not been reported in the literature in individuals affected with FBLN5-related conditions. This variant is not present in population databases (gnomAD no frequency). This sequence change replaces glycine, which is neutral and non-polar, with arginine, which is basic and polar, at codon 21 of the FBLN5 protein (p.Gly21Arg).